The following is an entry in ClinVar:

NC_000001.11:g.40877936_40912404dup

Genes: LOC122056846 (Sharpr-MPRA regulatory region 1319; plus strand), LOC126805716 (BRD4-independent group 4 enhancer GRCh37_chr1:41363720-41364919; plus strand). Cytogenetic location: 1p34.2.
Variant type: Duplication.
Identifiers: ClinVar variation 156734 (VCV000156734.2).

ClinVar aggregate classification (germline): not provided. Review status: no classification provided (0 of 4 stars). 2 submissions from 1 submitter: not provided (2).

Conditions:
Large for gestational age. Identifiers: MedGen C1848395, HP:0001520.
Preeclampsia. Identifiers: Orphanet 275555, MedGen C0032914, MONDO:0005081, HP:0100602.

Submissions (2):

Institute of Molecular and Cell Biology, University of Tartu
No classification provided. Condition: Large for gestational age. Review status: no classification provided. Collection method: case-control. Allele origin: unknown. Affected: yes. Study: Kasak2014.
Comment: The study aimed to determine the contribution of copy number variants in the genetic etiology of normal and complicated pregnancies. The samples represented (i) maternal blood DNA drawn from healthy pregnant women during 1st or 2nd trimester and (ii) maternal and paternal blood DNA drawn at term pregnancy cases representing normal and complicated gestations (severe preeclampsia, PE; gestational diabetes, GD; small-for-gestational age newborn, SGA; large-for-gestational age newborn, LGA). We performed CNV calling based on genome-wide genotyping dataset (Illumina HumanOmniExpress-24-v1 BeadChip) by applying three algorithms, QuantiSNP, GADA (Genome Alteration Detection Algorithm) and CNstream in parallel. The acquired CNV calls were merged with HD-CNV (Hotspot Detector for Copy Number Variants) program and only the CNVs predicted by at least two programs, were considered in subsequent analysis.

Institute of Molecular and Cell Biology, University of Tartu
No classification provided. Condition: Preeclampsia. Review status: no classification provided. Collection method: case-control. Allele origin: unknown. Affected: yes. Study: Kasak2014.
Comment: the same text as in the submission from Institute of Molecular and Cell Biology, University of Tartu above.

Literature cited by the submitters: PubMed 25666259.